The following is an entry in ClinVar:

NM_015102.5(NPHP4):c.79G>T (p.Glu27Ter)

Gene: NPHP4 (nephrocystin 4; minus strand). Cytogenetic location: 1p36.31.
Variant type: single nucleotide variant.
Coding change: c.79G>T on transcript NM_015102.5 (MANE Select); coding-DNA position 79, G replaced by T.
Protein change: p.Glu27Ter; replaces glutamic acid 27 with a stop codon.
Molecular consequence: nonsense. On other transcripts: 5 prime UTR variant (1), non-coding transcript variant (1), intron variant (1).
Genome position (GRCh38, 1-based): chr1:5,986,211, C>A on the plus strand (G>T on the coding strand, the complement: NPHP4 is on the minus strand). VCF-style: chr1-5986211-C-A. GRCh37 (hg19) VCF-style: chr1-6046271-C-A.
Other names: c.-1151G>T (NM_001291593.2); c.-1088+6033G>T (NM_001291594.2); short protein forms E27*.
Identifiers: ClinVar variation 3725651 (VCV003725651.2).
Genomic context (GRCh38, chr1:5,986,211, plus strand): 5'-TTACCTGCCTAATTACCGGTCCGTCCAGCCACTTGAGGACACACTGGAATGCCGTGGATT[C>A]CTTCCAAGGCTGGCGCGCTCTCTGTGGGTGGGGAGGGACAAGCACGTTTTGGGTGAAGAT-3'

ClinVar aggregate classification (germline): Pathogenic (1 of 4 stars; one submission).

Conditions:
Nephronophthisis. Also called: Juvenile Nephronophthisis. Identifiers: Orphanet 655, MedGen C0687120, MONDO:0019005, HP:0000090.

Submission:

Labcorp Genetics (formerly Invitae), Labcorp
Classification: Pathogenic for Nephronophthisis. Last evaluated: 2024-11-19. Review status: criteria provided, single submitter. Criteria: Invitae Variant Classification Sherloc (09022015). Collection method: clinical testing. Allele origin: germline.
Comment: This sequence change creates a premature translational stop signal (p.Glu27*) in the NPHP4 gene. It is expected to result in an absent or disrupted protein product. Loss-of-function variants in NPHP4 are known to be pathogenic (PMID: 12205563, 23559409). This variant is not present in population databases (gnomAD no frequency). This variant has not been reported in the literature in individuals affected with NPHP4-related conditions. For these reasons, this variant has been classified as Pathogenic.

Literature cited by the submitters: PubMed 12205563; PubMed 23559409.